The following is an entry in ClinVar:

ClinVar aggregate classification (germline): Uncertain significance (1 of 4 stars; one submission).

Conditions:
Inborn genetic diseases. Identifiers: MedGen C0950123, MeSH D030342.

Allele frequency attached by ClinVar (database versions not stated): gnomAD exomes below 0.00001.

Submission:

Ambry Genetics
Classification: Uncertain significance for Inborn genetic diseases. Last evaluated: 2020-12-09. Review status: criteria provided, single submitter. Criteria: Ambry Variant Classification Scheme 2023. Collection method: clinical testing. Allele origin: germline.
Comment: The p.A481T variant (also known as c.1441G>A), located in coding exon 7 of the TRPV4 gene, results from a G to A substitution at nucleotide position 1441. The alanine at codon 481 is replaced by threonine, an amino acid with similar properties. This amino acid position is not well conserved in available vertebrate species. In addition, this alteration is predicted to be tolerated by in silico analysis. Since supporting evidence is limited at this time, the clinical significance of this alteration remains unclear.

NM_021625.5(TRPV4):c.1441G>A (p.Ala481Thr)

Gene: TRPV4 (transient receptor potential cation channel subfamily V member 4; minus strand). Cytogenetic location: 12q24.11.
Variant type: single nucleotide variant.
Coding change: c.1441G>A on transcript NM_021625.5 (MANE Select); coding-DNA position 1441, G replaced by A.
Protein change: p.Ala481Thr; replaces alanine 481 with threonine.
Molecular consequence: missense variant.
Genome position (GRCh38, 1-based): chr12:109,794,379, C>T on the plus strand (G>A on the coding strand, the complement: TRPV4 is on the minus strand). VCF-style: chr12-109794379-C-T. GRCh37 (hg19) VCF-style: chr12-110232184-C-T.
Other names: c.1300G>A, p.Ala434Thr (NM_001177428.2); c.1339G>A, p.Ala447Thr (NM_001177431.2); c.1120G>A, p.Ala374Thr (NM_001177433.2); c.1261G>A, p.Ala421Thr (NM_147204.3); short protein forms A481T, A434T, A447T, A374T, A421T.
Identifiers: ClinVar variation 1772710 (VCV001772710.2), dbSNP rs1442971812, ClinGen allele CA386652939.